The following is an entry in ClinVar:

ClinVar aggregate classification (germline): Conflicting classifications of pathogenicity. Review status: criteria provided, conflicting classifications (1 of 4 stars). 3 submissions from 3 submitters: Likely pathogenic (1); Uncertain significance (2). Last evaluated 2026-10-24.

Conditions:
Malignant hyperthermia, susceptibility to, 1 (MHS1). Also called: Anesthesia related hyperthermia; Malignant hyperpyrexia; Fulminating hyperpyrexia; Pharmacogenic myopathy; RYR1-Related Malignant Hyperthermia Susceptibility; Malignant hyperthermia suceptibility 1. Identifiers: Orphanet 423, MedGen C2930980, MONDO:0007783, OMIM 145600.
RYR1-related disorder. Also called: RYR1-related condition; RYR1-related disorders. Identifiers: MedGen CN239331.

Submissions (3):

GeneDx
Classification: Likely pathogenic. Last evaluated: 2026-10-24. Review status: criteria provided, single submitter. Criteria: GeneDx Variant Classification Process June 2021. Collection method: clinical testing. Allele origin: germline.
Comment: Previously reported in an individual with King-Denborough syndrome; however detailed clinical information and segregation data were not provided (PMID: 41675683); In silico analysis supports that this missense variant has a deleterious effect on protein structure/function; Not observed at significant frequency in large population cohorts (gnomAD); This variant is associated with the following publications: (PMID: 12668474, 33767344, 41675683)

Labcorp Genetics (formerly Invitae), Labcorp
Classification: Uncertain significance for RYR1-related disorder. Last evaluated: 2024-11-13. Review status: criteria provided, single submitter. Criteria: Invitae Variant Classification Sherloc (09022015). Collection method: clinical testing. Allele origin: germline.
Comment: This sequence change replaces alanine, which is neutral and non-polar, with threonine, which is neutral and polar, at codon 2421 of the RYR1 protein (p.Ala2421Thr). This variant is present in population databases (rs193922808, gnomAD 0.006%). This variant has not been reported in the literature in individuals affected with RYR1-related conditions. ClinVar contains an entry for this variant (Variation ID: 2501610). Invitae Evidence Modeling of protein sequence and biophysical properties (such as structural, functional, and spatial information, amino acid conservation, physicochemical variation, residue mobility, and thermodynamic stability) has been performed for this missense variant. However, the output from this modeling did not meet the statistical confidence thresholds required to predict the impact of this variant on RYR1 protein function. In summary, the available evidence is currently insufficient to determine the role of this variant in disease. Therefore, it has been classified as a Variant of Uncertain Significance.

Color Diagnostics, LLC DBA Color Health
Classification: Uncertain significance for Malignant hyperthermia, susceptibility to, 1. Last evaluated: 2024-02-12. Review status: criteria provided, single submitter. Criteria: ACMG Guidelines, 2015. Collection method: clinical testing. Allele origin: germline.
Comment: This missense variant replaces alanine with threonine at codon 2421 of the RYR1 protein. Computational prediction suggests that this variant may have deleterious impact on protein structure and function. To our knowledge, functional studies have not been reported for this variant. This variant has not been reported in individuals affected with RYR1-related disorders in the literature. This variant has been identified in 8/251378 chromosomes in the general population by the Genome Aggregation Database (gnomAD). The available evidence is insufficient to determine the role of this variant in disease conclusively. Therefore, this variant is classified as a Variant of Uncertain Significance.

NM_000540.3(RYR1):c.7261G>A (p.Ala2421Thr)

Gene: RYR1 (ryanodine receptor 1; plus strand). Cytogenetic location: 19q13.2.
Variant type: single nucleotide variant.
Coding change: c.7261G>A on transcript NM_000540.3 (MANE Select); coding-DNA position 7261, G replaced by A.
Protein change: p.Ala2421Thr; replaces alanine 2421 with threonine.
Molecular consequence: missense variant.
Genome position (GRCh38, 1-based): chr19:38,499,954, G>A. VCF-style: chr19-38499954-G-A. GRCh37 (hg19) VCF-style: chr19-38990594-G-A.
Other names: c.7261G>A, p.Ala2421Thr (NM_001042723.2); short protein forms A2421T.
Identifiers: ClinVar variation 2501610 (VCV002501610.7), dbSNP rs193922808, ClinGen allele CA069410.
Genomic context (GRCh38, chr19:38,499,954, plus strand): 5'-CACCTTCCCTGCAGCTTTGGTGAGGAACCGCCTGAAGAAAACCGGGTGCACCTGGGACAC[G>A]CCATCATGTCCTTCTATGCCGCCTTGATCGACCTGCTCGGACGCTGTGCACCAGAGATGC-3'
Protein context (NP_000531.2, residues 2411-2431): PEENRVHLGH[Ala2421Thr]IMSFYAALID